The following is an entry in ClinVar:

ClinVar aggregate classification (germline): Uncertain significance. Review status: criteria provided, multiple submitters, no conflicts (2 of 4 stars). 2 submissions from 2 submitters: Uncertain significance (2). Last evaluated 2024-11-26.

Conditions:
Inborn genetic diseases. Identifiers: MedGen C0950123, MeSH D030342.

Allele frequency attached by ClinVar (database versions not stated): ExAC 0.00002; gnomAD 0.00004 and 0.00005.

Submissions (2):

Labcorp Genetics (formerly Invitae), Labcorp
Classification: Uncertain significance. Last evaluated: 2024-11-26. Review status: criteria provided, single submitter. Criteria: Invitae Variant Classification Sherloc (09022015). Collection method: clinical testing. Allele origin: germline.
Comment: This sequence change replaces cysteine, which is neutral and slightly polar, with phenylalanine, which is neutral and non-polar, at codon 1771 of the NBAS protein (p.Cys1771Phe). This variant is present in population databases (rs750497674, gnomAD 0.003%). This variant has not been reported in the literature in individuals affected with NBAS-related conditions. ClinVar contains an entry for this variant (Variation ID: 1351422). Invitae Evidence Modeling of protein sequence and biophysical properties (such as structural, functional, and spatial information, amino acid conservation, physicochemical variation, residue mobility, and thermodynamic stability) indicates that this missense variant is expected to disrupt NBAS protein function with a positive predictive value of 95%. In summary, the available evidence is currently insufficient to determine the role of this variant in disease. Therefore, it has been classified as a Variant of Uncertain Significance.

Ambry Genetics
Classification: Uncertain significance for Inborn genetic diseases. Last evaluated: 2022-12-19. Review status: criteria provided, single submitter. Criteria: Ambry Variant Classification Scheme 2023. Collection method: clinical testing. Allele origin: germline.

NM_015909.4(NBAS):c.5312G>T (p.Cys1771Phe)

Gene: NBAS (NBAS subunit of NRZ tethering complex; minus strand). Cytogenetic location: 2p24.3.
Variant type: single nucleotide variant.
Coding change: c.5312G>T on transcript NM_015909.4 (MANE Select); coding-DNA position 5312, G replaced by T.
Protein change: p.Cys1771Phe; replaces cysteine 1771 with phenylalanine.
Molecular consequence: missense variant. On other transcripts: non-coding transcript variant (1).
Genome position (GRCh38, 1-based): chr2:15,276,928, C>A on the plus strand (G>T on the coding strand, the complement: NBAS is on the minus strand). VCF-style: chr2-15276928-C-A. GRCh37 (hg19) VCF-style: chr2-15417052-C-A.
Other names: c.5312G>T (NM_015909.2); short protein forms C1771F.
Identifiers: ClinVar variation 1351422 (VCV001351422.5), dbSNP rs750497674, ClinGen allele CA1535332.